The following is an entry in ClinVar:

NM_005591.4(MRE11):c.536A>G (p.Tyr179Cys)

Gene: MRE11 (MRE11 double strand break repair nuclease; minus strand). Cytogenetic location: 11q21.
Variant type: single nucleotide variant.
Coding change: c.536A>G on transcript NM_005591.4 (MANE Select); coding-DNA position 536, A replaced by G.
Protein change: p.Tyr179Cys; replaces tyrosine 179 with cysteine.
Molecular consequence: missense variant.
Genome position (GRCh38, 1-based): chr11:94,478,743, T>C on the plus strand (A>G on the coding strand, the complement: MRE11 is on the minus strand). VCF-style: chr11-94478743-T-C. GRCh37 (hg19) VCF-style: chr11-94211909-T-C.
Other names: c.536A>G, p.Tyr179Cys (NM_001330347.2, NM_005590.4); short protein forms Y179C.
Identifiers: ClinVar variation 1799783 (VCV001799783.2), dbSNP rs1397174008, ClinGen allele CA382377241.

ClinVar aggregate classification (germline): Uncertain significance (1 of 4 stars; one submission).

Conditions:
Hereditary cancer-predisposing syndrome. Also called: Neoplastic Syndromes, Hereditary; Tumor predisposition; Hereditary Cancer Syndrome; Hereditary neoplastic syndrome. Identifiers: Orphanet 140162, MedGen C0027672, MeSH D009386, MONDO:0015356.

Allele frequency attached by ClinVar (database versions not stated): gnomAD exomes below 0.00001; gnomAD 0.00001; TOPMed 0.00001.
gnomAD v4.1: 8 of 1,612,372 alleles (0.0005%); highest among the groups gnomAD compares: Admixed American, 0.0033%; no homozygotes.

Submission:

Ambry Genetics
Classification: Uncertain significance for Hereditary cancer-predisposing syndrome. Last evaluated: 2021-12-31. Review status: criteria provided, single submitter. Criteria: Ambry Variant Classification Scheme 2023. Collection method: clinical testing. Allele origin: germline.
Comment: The p.Y179C variant (also known as c.536A>G), located in coding exon 5 of the MRE11A gene, results from an A to G substitution at nucleotide position 536. The tyrosine at codon 179 is replaced by cysteine, an amino acid with highly dissimilar properties. This amino acid position is conserved. In addition, this alteration is predicted to be deleterious by in silico analysis. Since supporting evidence is limited at this time, the clinical significance of this alteration remains unclear.